The following is an entry in ClinVar:

ClinVar aggregate classification (germline): Uncertain significance. Review status: criteria provided, multiple submitters, no conflicts (2 of 4 stars). 2 submissions from 2 submitters: Uncertain significance (2). Last evaluated 2025-04-19.

Conditions:
Inborn genetic diseases. Identifiers: MedGen C0950123, MeSH D030342.
Methylmalonic acidemia with homocystinuria, type cblJ (MAHCJ). Also called: METHYLMALONIC ACIDURIA AND HOMOCYSTINURIA, cblJ TYPE. Identifiers: Orphanet 369955, MedGen C3553915, MONDO:0013925, OMIM 614857.

Allele frequency attached by ClinVar (database versions not stated): ExAC 0.00004; TOPMed 0.00002; gnomAD 0.00003.

Submissions (2):

Ambry Genetics
Classification: Uncertain significance for Inborn genetic diseases. Last evaluated: 2025-04-19. Review status: criteria provided, single submitter. Criteria: Ambry Variant Classification Scheme 2023. Collection method: clinical testing. Allele origin: germline.

Labcorp Genetics (formerly Invitae), Labcorp
Classification: Uncertain significance for Methylmalonic acidemia with homocystinuria, type cblJ. Last evaluated: 2022-10-10. Review status: criteria provided, single submitter. Criteria: Invitae Variant Classification Sherloc (09022015). Collection method: clinical testing. Allele origin: germline.
Comment: This sequence change replaces arginine, which is basic and polar, with cysteine, which is neutral and slightly polar, at codon 127 of the ABCD4 protein (p.Arg127Cys). The frequency data for this variant in the population databases is considered unreliable, as metrics indicate poor data quality at this position in the gnomAD database. This variant has not been reported in the literature in individuals affected with ABCD4-related conditions. Algorithms developed to predict the effect of missense changes on protein structure and function (SIFT, PolyPhen-2, Align-GVGD) all suggest that this variant is likely to be disruptive. In summary, the available evidence is currently insufficient to determine the role of this variant in disease. Therefore, it has been classified as a Variant of Uncertain Significance.

NM_005050.4(ABCD4):c.379C>T (p.Arg127Cys)

Gene: ABCD4 (ATP binding cassette subfamily D member 4; minus strand). Cytogenetic location: 14q24.3.
Variant type: single nucleotide variant.
Coding change: c.379C>T on transcript NM_005050.4 (MANE Select); coding-DNA position 379, C replaced by T.
Protein change: p.Arg127Cys; replaces arginine 127 with cysteine.
Molecular consequence: missense variant. On other transcripts: 5 prime UTR variant (12), non-coding transcript variant (9), intron variant (5).
Genome position (GRCh38, 1-based): chr14:74,297,976, G>A on the plus strand (C>T on the coding strand, the complement: ABCD4 is on the minus strand). VCF-style: chr14-74297976-G-A. GRCh37 (hg19) VCF-style: chr14-74764679-G-A.
Other names: c.379C>T, p.Arg127Cys (NM_001353591.2, NM_001353592.2, NM_020325.3); c.118C>T, p.Arg40Cys (NM_001353593.2, NM_001353594.2); c.-31C>T (NM_001353595.2, NM_001353596.2, NM_001353597.2); c.-99C>T (NM_001353598.2, NM_001353600.2); c.-311C>T (NM_001353602.2); c.-316C>T (NM_001353603.2, NM_001353605.2, NM_001353606.2 and 3 more transcripts); c.250C>T, p.Arg84Cys (NM_020323.1); c.-269-1527C>T (NM_001353604.2); and 2 more; short protein forms R84C, R127C, R40C.
Identifiers: ClinVar variation 2086078 (VCV002086078.3), dbSNP rs746889528, ClinGen allele CA7267245.